The following is an entry in ClinVar:

NM_000535.7(PMS2):c.849_850inv (p.Ser283_Ser284delinsArgThr)

Gene: PMS2 (PMS1 homolog 2, mismatch repair system component; minus strand). Cytogenetic location: 7p22.1.
Variant type: Inversion.
Coding change: c.849_850inv on transcript NM_000535.7 (MANE Select).
Protein change: p.Ser283_Ser284delinsArgThr.
Molecular consequence: missense variant. On other transcripts: 5 prime UTR variant (2), non-coding transcript variant (1).
Genome position: GRCh38 VCF-style: chr7-5995587-AA-TT. GRCh37 (hg19) VCF-style: chr7-6035218-AA-TT.
Other names: c.444_445inv, p.Ser148_Ser149delinsArgThr (NM_001322003.2, NM_001322004.2, NM_001322005.2 and 2 more transcripts); c.849_850inv, p.Ser283_Ser284delinsArgThr (NM_001322006.2, NM_001322014.2); c.531_532inv, p.Ser177_Ser178delinsArgThr (NM_001322007.2, NM_001322008.2); c.-85_-84inv (NM_001322011.2, NM_001322012.2); c.276_277inv, p.Ser92_Ser93delinsArgThr (NM_001322013.2); c.540_541inv, p.Ser180_Ser181delinsArgThr (NM_001322015.2).
Identifiers: ClinVar variation 1041591 (VCV001041591.8), ClinGen allele CA2499218975.

ClinVar aggregate classification (germline): Uncertain significance (1 of 4 stars; one submission).

Conditions:
Hereditary nonpolyposis colorectal neoplasms. Identifiers: MedGen C0009405, MeSH D003123.

Submission:

Labcorp Genetics (formerly Invitae), Labcorp
Classification: Uncertain significance for Hereditary nonpolyposis colorectal neoplasms. Last evaluated: 2020-07-09. Review status: criteria provided, single submitter. Criteria: Invitae Variant Classification Sherloc (09022015). Collection method: clinical testing. Allele origin: germline.
Comment: This variant is not present in population databases (ExAC no frequency). In summary, the available evidence is currently insufficient to determine the role of this variant in disease. Therefore, it has been classified as a Variant of Uncertain Significance. Experimental studies and prediction algorithms are not available or were not evaluated, and the functional significance of this variant is currently unknown. This variant has not been reported in the literature in individuals with PMS2-related conditions. This variant, c.849_850delinsAA, is a complex sequence change that results in the deletion of 2 amino acids and insertion of 2 amino acids in the PMS2 protein (p.Ser283_Ser284delinsArgThr), but otherwise preserves the integrity of the reading frame.